The following is an entry in ClinVar:

NM_001040108.2(MLH3):c.3976A>T (p.Ser1326Cys)

Gene: MLH3 (mutL homolog 3; minus strand). Cytogenetic location: 14q24.3.
Variant type: single nucleotide variant.
Coding change: c.3976A>T on transcript NM_001040108.2 (MANE Select); coding-DNA position 3976, A replaced by T.
Protein change: p.Ser1326Cys; replaces serine 1326 with cysteine.
Molecular consequence: missense variant.
Genome position (GRCh38, 1-based): chr14:75,030,554, T>A on the plus strand (A>T on the coding strand, the complement: MLH3 is on the minus strand). VCF-style: chr14-75030554-T-A. GRCh37 (hg19) VCF-style: chr14-75497257-T-A.
Other names: c.3904A>T, p.Ser1302Cys (NM_014381.3); short protein forms S1302C, S1326C.
Identifiers: ClinVar variation 1736650 (VCV001736650.2), dbSNP rs2503116479, ClinGen allele CA390422445.

ClinVar aggregate classification (germline): Uncertain significance (1 of 4 stars; one submission).

Allele frequency attached by ClinVar (database versions not stated): gnomAD exomes below 0.00001.
gnomAD v4.1: 2 of 1,614,130 alleles (0.00012%); highest among the groups gnomAD compares: South Asian, 0.0022%; no homozygotes.

Submission:

Ambry Genetics
Classification: Uncertain significance. Last evaluated: 2021-07-18. Review status: criteria provided, single submitter. Criteria: Ambry Variant Classification Scheme 2023. Collection method: clinical testing. Allele origin: germline.
Comment: The p.S1326C variant (also known as c.3976A>T), located in coding exon 8 of the MLH3 gene, results from an A to T substitution at nucleotide position 3976. The serine at codon 1326 is replaced by cysteine, an amino acid with dissimilar properties. This amino acid position is not well conserved in available vertebrate species. In addition, the in silico prediction for this alteration is inconclusive. Since supporting evidence is limited at this time, the clinical significance of this alteration remains unclear.